The following is an entry in ClinVar:

NM_005633.4(SOS1):c.1150C>G (p.Gln384Glu)

Gene: SOS1 (SOS Ras/Rac guanine nucleotide exchange factor 1; minus strand). Cytogenetic location: 2p22.1.
Variant type: single nucleotide variant.
Coding change: c.1150C>G on transcript NM_005633.4 (MANE Select); coding-DNA position 1150, C replaced by G.
Protein change: p.Gln384Glu; replaces glutamine 384 with glutamic acid.
Molecular consequence: missense variant.
Genome position (GRCh38, 1-based): chr2:39,024,062, G>C on the plus strand (C>G on the coding strand, the complement: SOS1 is on the minus strand). VCF-style: chr2-39024062-G-C. GRCh37 (hg19) VCF-style: chr2-39251203-G-C.
Other names: c.1129C>G, p.Gln377Glu (NM_001382394.1); c.1150C>G, p.Gln384Glu (NM_001382395.1); short protein forms Q384E, Q377E.
Identifiers: ClinVar variation 2904993 (VCV002904993.3), dbSNP rs2529042750, ClinGen allele CA346366857.

ClinVar aggregate classification (germline): Uncertain significance (1 of 4 stars; one submission).

Conditions:
RASopathy. Also called: Noonan spectrum disorder; rasopathies. Identifiers: Orphanet 536391, MedGen C5555857, MONDO:0021060.

Submission:

Labcorp Genetics (formerly Invitae), Labcorp
Classification: Uncertain significance for RASopathy. Last evaluated: 2023-09-09. Review status: criteria provided, single submitter. Criteria: Invitae Variant Classification Sherloc (09022015). Collection method: clinical testing. Allele origin: germline.
Comment: In summary, the available evidence is currently insufficient to determine the role of this variant in disease. Therefore, it has been classified as a Variant of Uncertain Significance. Advanced modeling of protein sequence and biophysical properties (such as structural, functional, and spatial information, amino acid conservation, physicochemical variation, residue mobility, and thermodynamic stability) has been performed at Invitae for this missense variant, however the output from this modeling did not meet the statistical confidence thresholds required to predict the impact of this variant on SOS1 protein function. This variant has not been reported in the literature in individuals affected with SOS1-related conditions. This variant is not present in population databases (gnomAD no frequency). This sequence change replaces glutamine, which is neutral and polar, with glutamic acid, which is acidic and polar, at codon 384 of the SOS1 protein (p.Gln384Glu).